The following is an entry in ClinVar:

NM_000289.6(PFKM):c.321G>C (p.Lys107Asn)

Gene: PFKM (phosphofructokinase, muscle; plus strand). Cytogenetic location: 12q13.11.
Variant type: single nucleotide variant.
Coding change: c.321G>C on transcript NM_000289.6 (MANE Select); coding-DNA position 321, G replaced by C.
Protein change: p.Lys107Asn; replaces lysine 107 with asparagine.
Molecular consequence: missense variant. On other transcripts: non-coding transcript variant (6).
Genome position (GRCh38, 1-based): chr12:48,132,951, G>C. VCF-style: chr12-48132951-G-C. GRCh37 (hg19) VCF-style: chr12-48526734-G-C.
Other names: c.534G>C, p.Lys178Asn (NM_001166686.2, NM_001354737.1, NM_001354738.1 and 1 more transcripts); c.321G>C, p.Lys107Asn (NM_001166687.2, NM_001166688.2, NM_001354742.2 and 4 more transcripts); c.630G>C, p.Lys210Asn (NM_001354735.1, NM_001354736.1); c.465G>C, p.Lys155Asn (NM_001354740.1); c.345G>C, p.Lys115Asn (NM_001354741.2); c.234G>C, p.Lys78Asn (NM_001354745.2); c.171G>C, p.Lys57Asn (NM_001354747.2, NM_001354748.2); c.321G>C (NM_000289.5); short protein forms K107N, K178N, K115N, K155N, K57N, K78N, K210N.
Identifiers: ClinVar variation 2994683 (VCV002994683.4), dbSNP rs1251164159, ClinGen allele CA384541952.

ClinVar aggregate classification (germline): Uncertain significance. Review status: criteria provided, single submitter (1 of 4 stars). 2 submissions from 2 submitters: Uncertain significance (1). 1 of the submissions does not count toward it. Last evaluated 2023-07-14.

Conditions:
Glycogen storage disease, type VII (GSD7). Also called: PFKM DEFICIENCY; GSD VII; MUSCLE PHOSPHOFRUCTOKINASE DEFICIENCY; TARUI DISEASE. Identifiers: Orphanet 371, MedGen C0017926, MONDO:0009295, OMIM 232800.

Submissions (2):

Labcorp Genetics (formerly Invitae), Labcorp
Classification: Uncertain significance for Glycogen storage disease, type VII. Last evaluated: 2023-07-14. Review status: criteria provided, single submitter. Criteria: Invitae Variant Classification Sherloc (09022015). Collection method: clinical testing. Allele origin: germline.
Comment: In summary, the available evidence is currently insufficient to determine the role of this variant in disease. Therefore, it has been classified as a Variant of Uncertain Significance. Advanced modeling of protein sequence and biophysical properties (such as structural, functional, and spatial information, amino acid conservation, physicochemical variation, residue mobility, and thermodynamic stability) performed at Invitae indicates that this missense variant is not expected to disrupt PFKM protein function. This variant has not been reported in the literature in individuals affected with PFKM-related conditions. This variant is not present in population databases (gnomAD no frequency). This sequence change replaces lysine, which is basic and polar, with asparagine, which is neutral and polar, at codon 107 of the PFKM protein (p.Lys107Asn).

Natera, Inc.
Classification: Uncertain significance for Glycogen storage disease type VII. Last evaluated: 2025-02-18. Review status: no assertion criteria provided. Collection method: clinical testing. Allele origin: germline. Not counted in ClinVar's aggregate classification.